The following is an entry in ClinVar:

ClinVar aggregate classification (germline): Conflicting classifications of pathogenicity. Review status: criteria provided, conflicting classifications (1 of 4 stars). 2 submissions from 2 submitters: Likely pathogenic (1); Uncertain significance (1). Last evaluated 2025-12-31.

Conditions:
Primary ciliary dyskinesia. Also called: Ciliary dyskinesia. Identifiers: Orphanet 244, MedGen C0008780, MONDO:0016575, HP:0012265.

Allele frequency attached by ClinVar (database versions not stated): gnomAD exomes 0.00001; gnomAD 0.00003; TOPMed 0.00003.
gnomAD v4.1: 19 of 1,614,026 alleles (0.0012%); highest among the groups gnomAD compares: Admixed American, 0.0017%; no homozygotes.

Submissions (2):

Labcorp Genetics (formerly Invitae), Labcorp
Classification: Likely pathogenic for Primary ciliary dyskinesia. Last evaluated: 2025-12-31. Review status: criteria provided, single submitter. Criteria: Invitae Variant Classification Sherloc (09022015). Collection method: clinical testing. Allele origin: germline.
Comment: This sequence change replaces serine, which is neutral and polar, with leucine, which is neutral and non-polar, at codon 3843 of the DNAH5 protein (p.Ser3843Leu). This variant is present in population databases (rs78346432, gnomAD 0.004%). This missense change has been observed in individual(s) with primary ciliary dyskinesia (PMID: 28976722). In at least one individual the data is consistent with being in trans (on the opposite chromosome) from a pathogenic variant. ClinVar contains an entry for this variant (Variation ID: 1405761). Invitae Evidence Modeling of protein sequence and biophysical properties (such as structural, functional, and spatial information, amino acid conservation, physicochemical variation, residue mobility, and thermodynamic stability) indicates that this missense variant is expected to disrupt DNAH5 protein function with a positive predictive value of 95%. In summary, the currently available evidence indicates that the variant is pathogenic, but additional data are needed to prove that conclusively. Therefore, this variant has been classified as Likely Pathogenic.

Women's Health and Genetics/Laboratory Corporation of America, LabCorp
Classification: Uncertain significance. Last evaluated: 2025-10-17. Review status: criteria provided, single submitter. Criteria: LabCorp Variant Classification Summary - May 2015. Collection method: clinical testing. Allele origin: germline.
Comment: Variant summary: DNAH5 c.11528C>T (p.Ser3843Leu) results in a non-conservative amino acid change in the encoded protein sequence. Algorithms developed to predict the effect of missense changes on protein structure and function all suggest that this variant is likely to be disruptive. The variant allele was found at a frequency of 1.6e-05 in 251114 control chromosomes (gnomAD). The available data on variant occurrences in the general population are insufficient to allow any conclusion about variant significance. c.11528C>T has been observed in individuals affected with Primary ciliary dyskinesia 3 (Hornef_2006, Fu_2018). These data do not allow any conclusion about variant significance. To our knowledge, no experimental evidence demonstrating an impact on protein function has been reported. The following publications have been ascertained in the context of this evaluation (PMID: 28976722, 16627867, 17059358). ClinVar contains an entry for this variant (Variation ID: 1405761). Based on the evidence outlined above, the variant was classified as uncertain significance.

Literature cited by the submitters: PubMed 28976722 (cited by Labcorp Genetics (formerly Invitae), Labcorp and Women's Health and Genetics/Laboratory Corporation of America, LabCorp); PubMed 16627867 (cited by Women's Health and Genetics/Laboratory Corporation of America, LabCorp); PubMed 17059358 (cited by Women's Health and Genetics/Laboratory Corporation of America, LabCorp).

NM_001369.3(DNAH5):c.11528C>T (p.Ser3843Leu)

Gene: DNAH5 (dynein axonemal heavy chain 5; minus strand). Cytogenetic location: 5p15.2.
Variant type: single nucleotide variant.
Coding change: c.11528C>T on transcript NM_001369.3 (MANE Select); coding-DNA position 11528, C replaced by T.
Protein change: p.Ser3843Leu; replaces serine 3843 with leucine.
Molecular consequence: missense variant.
Genome position (GRCh38, 1-based): chr5:13,735,860, G>A on the plus strand (C>T on the coding strand, the complement: DNAH5 is on the minus strand). VCF-style: chr5-13735860-G-A. GRCh37 (hg19) VCF-style: chr5-13735969-G-A.
Other names: short protein forms S3843L.
Identifiers: ClinVar variation 1405761 (VCV001405761.9), dbSNP rs78346432, ClinGen allele CA3201933.